The following is an entry in ClinVar:

ClinVar aggregate classification (germline): Uncertain significance (1 of 4 stars; one submission).

gnomAD v4.1: 1 of 1,613,370 alleles (0.000062%); highest among the groups gnomAD compares: East Asian, 0.0022%; no homozygotes.

Submission:

Dasa
Classification: Uncertain significance. Last evaluated: 2025-05-19. Review status: criteria provided, single submitter. Criteria: DASA Assertion Criteria. Collection method: clinical testing. Allele origin: germline.
Comment: NM_001378452.1(ITPR1):c.5539A>G (p.Ile1847Val) is a missense variant that results in the substitution of isoleucine with valine. This variant is rare in population databases. Computational prediction algorithms are consistent with a benign effect. The currently available literature and clinical evidence are not sufficient to establish a definitive association between this variant and the reported condition. Therefore, this variant is classified as a variant of uncertain significance.

NM_001378452.1(ITPR1):c.5539A>G (p.Ile1847Val)

Gene: ITPR1 (inositol 1,4,5-trisphosphate receptor type 1; plus strand). Cytogenetic location: 3p26.1.
Variant type: single nucleotide variant.
Coding change: c.5539A>G on transcript NM_001378452.1 (MANE Select); coding-DNA position 5539, A replaced by G.
Protein change: p.Ile1847Val; replaces isoleucine 1847 with valine.
Molecular consequence: missense variant.
Genome position (GRCh38, 1-based): chr3:4,735,349, A>G. VCF-style: chr3-4735349-A-G. GRCh37 (hg19) VCF-style: chr3-4777033-A-G.
Other names: c.5395A>G, p.Ile1799Val (NM_001099952.4); c.5494A>G, p.Ile1832Val (NM_001168272.2); c.5350A>G, p.Ile1784Val (NM_002222.7); short protein forms I1784V, I1799V, I1832V, I1847V.
Identifiers: ClinVar variation 4882218 (VCV004882218.2).
Genomic context (GRCh38, chr3:4,735,349, plus strand): 5'-CGAGTGTTCCATGAAAGCATTCTCCTGGCCATTGCCCTTCTGGAAGGAGGCAACACCACC[A>G]TCCAGGTAGGAAGGCAGCTTGGCTACTGGTATGGCATCCCTGCTGAGCAGGAGGAGAGTC-3'
Protein context (NP_001365381.1, residues 1837-1857): IALLEGGNTT[Ile1847Val]QHSFFCRLTE